The following is an entry in ClinVar:

NM_006939.4(SOS2):c.1805G>T (p.Gly602Val)

Gene: SOS2 (SOS Ras/Rho guanine nucleotide exchange factor 2; minus strand). Cytogenetic location: 14q21.3.
Variant type: single nucleotide variant.
Coding change: c.1805G>T on transcript NM_006939.4 (MANE Select); coding-DNA position 1805, G replaced by T.
Protein change: p.Gly602Val; replaces glycine 602 with valine.
Molecular consequence: missense variant.
Genome position (GRCh38, 1-based): chr14:50,159,478, C>A on the plus strand (G>T on the coding strand, the complement: SOS2 is on the minus strand). VCF-style: chr14-50159478-C-A. GRCh37 (hg19) VCF-style: chr14-50626196-C-A.
Other names: c.1706G>T, p.Gly569Val (NM_001411020.1); short protein forms G569V, G602V.
Identifiers: ClinVar variation 4172012 (VCV004172012.1).

ClinVar aggregate classification (germline): Uncertain significance (1 of 4 stars; one submission).

Conditions:
Cardiovascular phenotype. Identifiers: MedGen CN230736.

Submission:

Ambry Genetics
Classification: Uncertain significance for Cardiovascular phenotype. Last evaluated: 2025-07-29. Review status: criteria provided, single submitter. Criteria: Ambry Variant Classification Scheme 2023. Collection method: clinical testing. Allele origin: germline.
Comment: The p.G602V variant (also known as c.1805G>T), located in coding exon 10 of the SOS2 gene, results from a G to T substitution at nucleotide position 1805. The glycine at codon 602 is replaced by valine, an amino acid with dissimilar properties. This amino acid position is conserved. In addition, this alteration is predicted to be deleterious by in silico analysis. Based on the available evidence, the clinical significance of this variant remains unclear.